The following is an entry in ClinVar:

NM_006158.5(NEFL):c.22_23delinsAG (p.Pro8Arg)

Gene: NEFL (neurofilament light chain; minus strand). Cytogenetic location: 8p21.2.
Variant type: Indel.
Coding change: c.22_23delinsAG on transcript NM_006158.5 (MANE Select); coding-DNA positions 22 to 23, CC replaced by AG.
Protein change: p.Pro8Arg; replaces proline 8 with arginine.
Molecular consequence: missense variant.
Genome position (GRCh38, 1-based): chr8:24,956,493-24,956,494, GG replaced by CT on the plus strand (CC replaced by AG on the coding strand, the reverse complement: NEFL is on the minus strand). VCF-style: chr8-24956493-GG-CT. GRCh37 (hg19) VCF-style: chr8-24814007-GG-CT.
Other names: short protein forms P8R.
Identifiers: ClinVar variation 14030 (VCV000014030.4), dbSNP rs60261494, ClinGen allele CA217532.

ClinVar aggregate classification (germline): Pathogenic. Review status: no assertion criteria provided (0 of 4 stars). 4 submissions from 3 submitters: Pathogenic (2). 2 of the submissions do not count toward it. Last evaluated 2007-12-15.

Conditions:
Charcot-Marie-Tooth disease type 2E (CMT2E). Also called: CHARCOT-MARIE-TOOTH NEUROPATHY, TYPE 2E; CHARCOT-MARIE-TOOTH DISEASE, AXONAL, TYPE 2E. Identifiers: Orphanet 99939, MedGen C1843225, MONDO:0011894, OMIM 607684.
Charcot-Marie-Tooth disease type 1F. Also called: CHARCOT-MARIE-TOOTH NEUROPATHY, TYPE 1F; Charcot-Marie-Tooth disease, demyelinating, type 1f. Identifiers: Orphanet 101085, MedGen C1843164, MONDO:0011902, OMIM 607734.

Submissions (4):

OMIM
Classification: Pathogenic for CHARCOT-MARIE-TOOTH DISEASE, AXONAL, TYPE 2E. Last evaluated: 2007-12-15. Review status: no assertion criteria provided. Collection method: literature only. Allele origin: germline.

OMIM
Classification: Pathogenic for CHARCOT-MARIE-TOOTH DISEASE, DEMYELINATING, TYPE 1F. Last evaluated: 2007-12-15. Review status: no assertion criteria provided. Collection method: literature only. Allele origin: germline.

ClinVar Staff, National Center for Biotechnology Information (NCBI)
No classification provided. Condition: Charcot-Marie-Tooth disease type 2E. Review status: no classification provided. Collection method: literature only. Allele origin: unknown. Not counted in ClinVar's aggregate classification.
Comment: This SCV is no longer cited in the GeneReview (NBK1285).

Epithelial Biology;  Institute of Medical Biology, Singapore
No classification provided. Review status: no classification provided. Collection method: not provided. Allele origin: not provided. Not counted in ClinVar's aggregate classification.

Literature cited by the submitters: PubMed 11220745 (cited by OMIM); PubMed 12566280 (cited by OMIM); PubMed 15282209 (cited by OMIM); PubMed 17620486 (cited by OMIM); PubMed 17881652 (cited by OMIM).